The following is an entry in ClinVar:

ClinVar aggregate classification (germline): Pathogenic (1 of 4 stars; one submission).

Submission:

Quest Diagnostics Nichols Institute San Juan Capistrano
Classification: Pathogenic. Last evaluated: 2022-03-15. Review status: criteria provided, single submitter. Criteria: ACMG/ClinGen CNV Guidelines, 2019. Collection method: clinical testing. Allele origin: unknown.
Comment: This copy number loss is associated with the proximal (LCR22 A-D) 22q11.2 deletion syndrome a.k.a., Velocardiofacial syndrome (VCFS) or DiGeorge syndrome (DGS) (OMIM 192430; OMIM 188400). Individuals with chromosome 22q11.2 deletion syndrome have a range of phenotypic findings, including congenital heart defects, particularly conotruncal malformations (tetralogy of Fallot, interrupted aortic arch, ventricular septal defect, and truncus arteriosus), palatal abnormalities, characteristic facial features, learning difficulties, and immune deficiency. Haploinsufficiency of the TBX1 gene in particular is responsible for most of the clinical features. Deletions of this locus are usually de novo, but can be inherited. See GeneReviews for additional information and references.

GRCh37/hg19 22q11.21(chr22:18935463-21465659)x1

Genes: AIFM3 (AIF family member 3; plus strand), ARVCF (ARVCF delta catenin family member; minus strand), C22orf39 (chromosome 22 open reading frame 39; minus strand), CDC45 (cell division cycle 45; plus strand), CLDN5 (claudin 5; minus strand) and 40 more. Cytogenetic location: 22q11.21.
Variant type: copy number loss.
Change: copy number 1 (one copy instead of two) of chr22:18,935,463-21,465,659 (2.53 Mb, GRCh37 coordinates, 1-based), cytogenetic band 22q11.21.
Identifiers: ClinVar variation 565034 (VCV000565034.4).